The following is an entry in ClinVar:

NM_000465.4(BARD1):c.1256A>C (p.Asn419Thr)

Gene: BARD1 (BRCA1 associated RING domain 1; minus strand). Cytogenetic location: 2q35.
Variant type: single nucleotide variant.
Coding change: c.1256A>C on transcript NM_000465.4 (MANE Select); coding-DNA position 1256, A replaced by C.
Protein change: p.Asn419Thr; replaces asparagine 419 with threonine.
Molecular consequence: missense variant. On other transcripts: non-coding transcript variant (2), intron variant (3).
Genome position (GRCh38, 1-based): chr2:214,780,618, T>G on the plus strand (A>C on the coding strand, the complement: BARD1 is on the minus strand). VCF-style: chr2-214780618-T-G. GRCh37 (hg19) VCF-style: chr2-215645342-T-G.
Other names: c.1199A>C, p.Asn400Thr (NM_001282543.2); c.159-28063A>C (NM_001282548.2); c.215+16443A>C (NM_001282545.2); c.364+11679A>C (NM_001282549.2); short protein forms N400T, N419T.
Identifiers: ClinVar variation 1720818 (VCV001720818.5), dbSNP rs776723079, ClinGen allele CA350453531.

ClinVar aggregate classification (germline): Uncertain significance (1 of 4 stars; one submission).

Conditions:
Familial cancer of breast. Also called: BREAST CANCER, FAMILIAL; hereditary breast carcinoma; Hereditary breast cancer. Identifiers: Orphanet 227535, MedGen C0346153, MONDO:0016419, OMIM 114480. Disease mechanism: loss of function.

Submission:

Labcorp Genetics (formerly Invitae), Labcorp
Classification: Uncertain significance for Familial cancer of breast. Last evaluated: 2022-10-02. Review status: criteria provided, single submitter. Criteria: Invitae Variant Classification Sherloc (09022015). Collection method: clinical testing. Allele origin: germline.
Comment: In summary, the available evidence is currently insufficient to determine the role of this variant in disease. Therefore, it has been classified as a Variant of Uncertain Significance. Algorithms developed to predict the effect of missense changes on protein structure and function output the following: SIFT: "Tolerated"; PolyPhen-2: "Benign"; Align-GVGD: "Class C0". The threonine amino acid residue is found in multiple mammalian species, which suggests that this missense change does not adversely affect protein function. This variant has not been reported in the literature in individuals affected with BARD1-related conditions. This variant is not present in population databases (gnomAD no frequency). This sequence change replaces asparagine, which is neutral and polar, with threonine, which is neutral and polar, at codon 419 of the BARD1 protein (p.Asn419Thr).